The following is an entry in ClinVar:

NM_018225.3(SMU1):c.453C>T (p.Gly151=)

Gene: SMU1 (SMU1 DNA replication regulator and spliceosomal factor; minus strand). Cytogenetic location: 9p21.1.
Variant type: single nucleotide variant.
Coding change: c.453C>T on transcript NM_018225.3 (MANE Select); coding-DNA position 453, C replaced by T.
Protein change: p.Gly151=; no amino-acid change (glycine 151 retained).
Molecular consequence: synonymous variant.
Genome position (GRCh38, 1-based): chr9:33,068,872, G>A on the plus strand (C>T on the coding strand, the complement: SMU1 is on the minus strand). VCF-style: chr9-33068872-G-A. GRCh37 (hg19) VCF-style: chr9-33068870-G-A.
Other names: NC_000009.11:g.33068870G>A.
Identifiers: ClinVar variation 2659145 (VCV002659145.25), dbSNP rs113018466, ClinGen allele CA5023436.
Genomic context (GRCh38, chr9:33,068,872, plus strand): 5'-GAATTGAATTACCTGTCCCAGCAATGCCATGAGACGAGATGGAGGCACCACACTGACTTC[G>A]CCAGCTAAGGCCTGGGCAATTGCTGCTCTTCTCTTTTCTTTGCTACTTCCATCTGGGTAT-3'
Protein context (NP_060695.2, residues 141-161): RRAAIAQALA[Gly151=]EVSVVPPSRL

ClinVar aggregate classification (germline): Likely benign (1 of 4 stars; one submission).

Allele frequency attached by ClinVar (database versions not stated): ExAC 0.00018; 1000 Genomes Project 0.00020; 1000 Genomes Project 30x 0.00047; ESP Exome Variant Server 0.00077; gnomAD 0.00078; TOPMed 0.00084.
gnomAD v4.1: 306 of 1,613,976 alleles (0.019%); highest among the groups gnomAD compares: African/African-American, 0.31%; 2 homozygotes.

Submissions (2):

CeGaT Center for Human Genetics Tuebingen
Classification: Likely benign. Last evaluated: 2022-07-01. Review status: criteria provided, single submitter. Criteria: CeGaT Center For Human Genetics Tuebingen Variant Classification Criteria Version 2. Collection method: clinical testing. Allele origin: germline. Affected: yes. Observed: 1 variant allele.
Comment: SMU1: BP4, BP7

Dr. Peter K. Rogan Lab, Western University
No classification provided (evidence only). Condition: Familial cancer of breast. Review status: no classification provided. Collection method: in vitro. Allele origin: not applicable. Functional consequence: retained intron. Not counted in ClinVar's aggregate classification.